The following is an entry in ClinVar:

NM_004260.4(RECQL4):c.3205C>T (p.Arg1069Cys)

Gene: RECQL4 (RecQ like helicase 4; minus strand). Cytogenetic location: 8q24.3.
Variant type: single nucleotide variant.
Coding change: c.3205C>T on transcript NM_004260.4 (MANE Select); coding-DNA position 3205, C replaced by T.
Protein change: p.Arg1069Cys; replaces arginine 1069 with cysteine.
Molecular consequence: missense variant.
Genome position (GRCh38, 1-based): chr8:144,512,175, G>A on the plus strand (C>T on the coding strand, the complement: RECQL4 is on the minus strand). VCF-style: chr8-144512175-G-A. GRCh37 (hg19) VCF-style: chr8-145737558-G-A.
Other names: short protein forms R1069C.
Identifiers: ClinVar variation 528970 (VCV000528970.9), dbSNP rs758648484, ClinGen allele CA4947890.

ClinVar aggregate classification (germline): Uncertain significance. Review status: criteria provided, multiple submitters, no conflicts (2 of 4 stars). 2 submissions from 2 submitters: Uncertain significance (2). Last evaluated 2025-11-03.

Conditions:
Baller-Gerold syndrome (BGS). Also called: CRANIOSYNOSTOSIS WITH RADIAL DEFECTS. Identifiers: Orphanet 1225, MedGen C0265308, MONDO:0009039, OMIM 218600.

Allele frequency attached by ClinVar (database versions not stated): TOPMed 0.00002; gnomAD 0.00003; ExAC 0.00008.

Submissions (2):

Labcorp Genetics (formerly Invitae), Labcorp
Classification: Uncertain significance for Baller-Gerold syndrome. Last evaluated: 2025-11-03. Review status: criteria provided, single submitter. Criteria: Invitae Variant Classification Sherloc (09022015). Collection method: clinical testing. Allele origin: germline.
Comment: This sequence change replaces arginine, which is basic and polar, with cysteine, which is neutral and slightly polar, at codon 1069 of the RECQL4 protein (p.Arg1069Cys). This variant is present in population databases (rs758648484, gnomAD 0.05%). This variant has not been reported in the literature in individuals affected with RECQL4-related conditions. ClinVar contains an entry for this variant (Variation ID: 528970). Invitae Evidence Modeling of protein sequence and biophysical properties (such as structural, functional, and spatial information, amino acid conservation, physicochemical variation, residue mobility, and thermodynamic stability) indicates that this missense variant is not expected to disrupt RECQL4 protein function with a negative predictive value of 80%. In summary, the available evidence is currently insufficient to determine the role of this variant in disease. Therefore, it has been classified as a Variant of Uncertain Significance.

Dasa
Classification: Uncertain significance. Last evaluated: 2025-07-11. Review status: criteria provided, single submitter. Criteria: DASA Assertion Criteria. Collection method: clinical testing. Allele origin: germline.
Comment: NM_004260.4(RECQL4):c.3205C>T (p.Arg1069Cys) is a missense variant that results in the substitution of arginine with cysteine. This variant is rare in population databases. The currently available literature and clinical evidence are not sufficient to establish a definitive association between this variant and the reported condition. Therefore, this variant is classified as a variant of uncertain significance.